The following is an entry in ClinVar:

NM_015459.5(ATL3):c.748C>T (p.Arg250Ter)

Genes: ATL3 (atlastin GTPase 3; minus strand), LNCROPM (lncRNA regulator of PLAAT3 mediated phospholipid metabolism; plus strand). Cytogenetic location: 11q13.1.
Variant type: single nucleotide variant.
Coding change: c.748C>T on transcript NM_015459.5 (MANE Select); coding-DNA position 748, C replaced by T.
Protein change: p.Arg250Ter; replaces arginine 250 with a stop codon.
Molecular consequence: nonsense.
Genome position (GRCh38, 1-based): chr11:63,643,459, G>A on the plus strand (C>T on the coding strand, the complement: ATL3 is on the minus strand). VCF-style: chr11-63643459-G-A. GRCh37 (hg19) VCF-style: chr11-63410931-G-A.
Other names: c.694C>T, p.Arg232Ter (NM_001290048.2); short protein forms R250*, R232*.
Identifiers: ClinVar variation 969372 (VCV000969372.6), dbSNP rs1939765118, ClinGen allele CA381024407.

ClinVar aggregate classification (germline): Uncertain significance (1 of 4 stars; one submission).

Conditions:
Neuropathy, hereditary sensory, type 1F. Also called: Hereditary sensory neuropathy type IF; HSN IF. Identifiers: Orphanet 36386, MedGen C3810194, MONDO:0014286, OMIM 615632.

Allele frequency attached by ClinVar (database versions not stated): gnomAD exomes below 0.00001.

Submission:

Labcorp Genetics (formerly Invitae), Labcorp
Classification: Uncertain significance for Neuropathy, hereditary sensory, type 1F. Last evaluated: 2021-11-21. Review status: criteria provided, single submitter. Criteria: Invitae Variant Classification Sherloc (09022015). Collection method: clinical testing. Allele origin: germline.
Comment: In summary, the available evidence is currently insufficient to determine the role of this variant in disease. Therefore, it has been classified as a Variant of Uncertain Significance. ClinVar contains an entry for this variant (Variation ID: 969372). This sequence change creates a premature translational stop signal (p.Arg250*) in the ATL3 gene. It is expected to result in an absent or disrupted protein product. However, the current clinical and genetic evidence is not sufficient to establish whether loss-of-function variants in ATL3 cause disease. This variant is not present in population databases (gnomAD no frequency). This variant has not been reported in the literature in individuals affected with ATL3-related conditions.